The following is an entry in ClinVar:

NM_052947.4(ALPK2):c.3693G>C (p.Glu1231Asp)

Genes: ALPK2 (alpha kinase 2; minus strand), LOC126862764 (BRD4-independent group 4 enhancer GRCh37_chr18:56202574-56203773; plus strand). Cytogenetic location: 18q21.31.
Variant type: single nucleotide variant.
Coding change: c.3693G>C on transcript NM_052947.4 (MANE Select); coding-DNA position 3693, G replaced by C.
Protein change: p.Glu1231Asp; replaces glutamic acid 1231 with aspartic acid.
Molecular consequence: missense variant.
Genome position (GRCh38, 1-based): chr18:58,536,494, C>G on the plus strand (G>C on the coding strand, the complement: ALPK2 is on the minus strand). VCF-style: chr18-58536494-C-G. GRCh37 (hg19) VCF-style: chr18-56203726-C-G.
Other names: short protein forms E1231D.
Identifiers: ClinVar variation 3228702 (VCV003228702.1), dbSNP rs1243145040, ClinGen allele CA402566029.

ClinVar aggregate classification (germline): Uncertain significance (1 of 4 stars; one submission).

Allele frequency attached by ClinVar (database versions not stated): TOPMed below 0.00001; gnomAD 0.00001.
gnomAD v4.1: 1 of 1,613,842 alleles (0.000062%); highest among the groups gnomAD compares: Non-Finnish European, 0.000085%; no homozygotes.

Submission:

Ambry Genetics
Classification: Uncertain significance. Last evaluated: 2023-09-18. Review status: criteria provided, single submitter. Criteria: Ambry Variant Classification Scheme 2023. Collection method: clinical testing. Allele origin: germline.
Comment: The p.E1231D variant (also known as c.3693G>C), located in coding exon 4 of the ALPK2 gene, results from a G to C substitution at nucleotide position 3693. The glutamic acid at codon 1231 is replaced by aspartic acid, an amino acid with highly similar properties. This amino acid position is conserved. In addition, this alteration is predicted to be tolerated by in silico analysis. Since supporting evidence is limited at this time, the clinical significance of this alteration remains unclear.